The following is an entry in ClinVar:

ClinVar aggregate classification (germline): Uncertain significance (1 of 4 stars; one submission).

Submission:

Labcorp Genetics (formerly Invitae), Labcorp
Classification: Uncertain significance. Last evaluated: 2025-06-16. Review status: criteria provided, single submitter. Criteria: Invitae Variant Classification Sherloc (09022015). Collection method: clinical testing. Allele origin: germline.
Comment: This sequence change replaces asparagine, which is neutral and polar, with histidine, which is basic and polar, at codon 403 of the TNFRSF11A protein (p.Asn403His). This variant is not present in population databases (gnomAD no frequency). This variant has not been reported in the literature in individuals affected with TNFRSF11A-related conditions. ClinVar contains an entry for this variant (Variation ID: 2132942). An algorithm developed to predict the effect of missense changes on protein structure and function outputs the following: PolyPhen-2: "Benign". The histidine amino acid residue is found in multiple mammalian species, which suggests that this missense change does not adversely affect protein function. In summary, the available evidence is currently insufficient to determine the role of this variant in disease. Therefore, it has been classified as a Variant of Uncertain Significance.

NM_003839.4(TNFRSF11A):c.1207A>C (p.Asn403His)

Gene: TNFRSF11A (TNF receptor superfamily member 11a; plus strand). Cytogenetic location: 18q21.33.
Variant type: single nucleotide variant.
Coding change: c.1207A>C on transcript NM_003839.4 (MANE Select); coding-DNA position 1207, A replaced by C.
Protein change: p.Asn403His; replaces asparagine 403 with histidine.
Molecular consequence: missense variant. On other transcripts: intron variant (3).
Genome position (GRCh38, 1-based): chr18:62,369,124, A>C. VCF-style: chr18-62369124-A-C. GRCh37 (hg19) VCF-style: chr18-60036357-A-C.
Other names: c.1165A>C, p.Asn389His (NM_001278268.2); c.783+2364A>C (NM_001270949.2); c.730+7331A>C (NM_001270950.2); c.616+9075A>C (NM_001270951.2); short protein forms N403H, N389H.
Identifiers: ClinVar variation 2132942 (VCV002132942.4), dbSNP rs2511592797, ClinGen allele CA402617474.